The following is an entry in ClinVar:

NM_015272.5(RPGRIP1L):c.1393C>T (p.Leu465Phe)

Gene: RPGRIP1L (RPGRIP1 like; minus strand). Cytogenetic location: 16q12.2.
Variant type: single nucleotide variant.
Coding change: c.1393C>T on transcript NM_015272.5 (MANE Select); coding-DNA position 1393, C replaced by T.
Protein change: p.Leu465Phe; replaces leucine 465 with phenylalanine.
Molecular consequence: missense variant.
Genome position (GRCh38, 1-based): chr16:53,658,422, G>A on the plus strand (C>T on the coding strand, the complement: RPGRIP1L is on the minus strand). VCF-style: chr16-53658422-G-A. GRCh37 (hg19) VCF-style: chr16-53692334-G-A.
Other names: c.1393C>T, p.Leu465Phe (NM_001127897.4, NM_001308334.3, NM_001330538.2); c.1393C>T (NM_015272.4); short protein forms L465F.
Identifiers: ClinVar variation 992035 (VCV000992035.6), dbSNP rs758403877, ClinGen allele CA281347519.
Genomic context (GRCh38, chr16:53,658,422, plus strand): 5'-CTGAAACAGTTGTATGCAGACATGAAAATCACGATGAAGTTCAGAACCTTACCTTTATAA[G>A]TAGGAGAGCTTCACTCAATTCATCAGCATTAATATCATTCTCCTGCAATAGATTAAGTAA-3'
Protein context (NP_056087.2, residues 455-475): NADELSEALL[Leu465Phe]IKAQKEQKNG

ClinVar aggregate classification (germline): Uncertain significance. Review status: criteria provided, multiple submitters, no conflicts (2 of 4 stars). 3 submissions from 3 submitters: Uncertain significance (2). 1 of the submissions does not count toward it. Last evaluated 2025-10-28.

Conditions:
RPGRIP1L-related disorder. Also called: RPGRIP1L-related condition; RPGRIP1L-related disorders. Identifiers: MedGen CN239416.
Meckel-Gruber syndrome. Also called: GRUBER SYNDROME; Dysencephalia splachnocystica; DYSENCEPHALIA SPLANCHNOCYSTICA. Identifiers: Orphanet 564, MedGen C0265215, MONDO:0018921.
Joubert syndrome. Also called: Familial aplasia of the vermis; JOUBERT-BOLTSHAUSER SYNDROME. Identifiers: Orphanet 475, MedGen C5979921, MONDO:0018772.

Allele frequency attached by ClinVar (database versions not stated): TOPMed 0.00002; gnomAD 0.00003.
gnomAD v4.1: 37 of 1,610,398 alleles (0.0023%); highest among the groups gnomAD compares: African/African-American, 0.004%; no homozygotes.

Submissions (3):

PreventionGenetics, part of Exact Sciences
Classification: Uncertain significance for RPGRIP1L-related condition. Last evaluated: 2025-10-28. Review status: criteria provided, single submitter. Criteria: ACMG Guidelines, 2015. Collection method: clinical testing. Allele origin: germline.
Comment: The RPGRIP1L c.1393C>T variant is predicted to result in the amino acid substitution p.Leu465Phe. To our knowledge, this variant has not been reported in the literature or in a large population database (gnomAD), indicating this variant is rare. At this time, the clinical significance of this variant is uncertain due to the absence of conclusive functional and genetic evidence.

Labcorp Genetics (formerly Invitae), Labcorp
Classification: Uncertain significance for Joubert syndrome; Meckel-Gruber syndrome. Last evaluated: 2021-10-29. Review status: criteria provided, single submitter. Criteria: Invitae Variant Classification Sherloc (09022015). Collection method: clinical testing. Allele origin: germline.
Comment: This sequence change replaces leucine, which is neutral and non-polar, with phenylalanine, which is neutral and non-polar, at codon 465 of the RPGRIP1L protein (p.Leu465Phe). This variant is not present in population databases (gnomAD no frequency). This variant has not been reported in the literature in individuals affected with RPGRIP1L-related conditions. ClinVar contains an entry for this variant (Variation ID: 992035). Algorithms developed to predict the effect of missense changes on protein structure and function output the following: SIFT: "Tolerated"; PolyPhen-2: "Benign"; Align-GVGD: "Class C0". The phenylalanine amino acid residue is found in multiple mammalian species, which suggests that this missense change does not adversely affect protein function. In summary, the available evidence is currently insufficient to determine the role of this variant in disease. Therefore, it has been classified as a Variant of Uncertain Significance.

Natera, Inc.
Classification: Uncertain significance for Joubert syndrome. Last evaluated: 2020-08-13. Review status: no assertion criteria provided. Collection method: clinical testing. Allele origin: germline. Not counted in ClinVar's aggregate classification.